The following is an entry in ClinVar:

ClinVar aggregate classification (germline): Uncertain significance. Review status: criteria provided, multiple submitters, no conflicts (2 of 4 stars). 2 submissions from 2 submitters: Uncertain significance (2). Last evaluated 2026-05-11.

Conditions:
Inborn genetic diseases. Identifiers: MedGen C0950123, MeSH D030342.

gnomAD v4.1: 4 of 1,613,324 alleles (0.00025%); highest among the groups gnomAD compares: East Asian, 0.0022%; no homozygotes.

Submissions (2):

Ambry Genetics
Classification: Uncertain significance for Inborn genetic diseases. Last evaluated: 2026-05-11. Review status: criteria provided, single submitter. Criteria: Ambry Variant Classification Scheme 2023. Collection method: clinical testing. Allele origin: germline.

Labcorp Genetics (formerly Invitae), Labcorp
Classification: Uncertain significance. Last evaluated: 2024-12-04. Review status: criteria provided, single submitter. Criteria: Invitae Variant Classification Sherloc (09022015). Collection method: clinical testing. Allele origin: germline.
Comment: This sequence change replaces proline, which is neutral and non-polar, with leucine, which is neutral and non-polar, at codon 1300 of the MPDZ protein (p.Pro1300Leu). This variant is present in population databases (no rsID available, gnomAD 0.0009%). This variant has not been reported in the literature in individuals affected with MPDZ-related conditions. An algorithm developed to predict the effect of missense changes on protein structure and function outputs the following: PolyPhen-2: "Benign". The leucine amino acid residue is found in multiple mammalian species, which suggests that this missense change does not adversely affect protein function. In summary, the available evidence is currently insufficient to determine the role of this variant in disease. Therefore, it has been classified as a Variant of Uncertain Significance.

NM_001378778.1(MPDZ):c.3899C>T (p.Pro1300Leu)

Gene: MPDZ (multiple PDZ domain crumbs cell polarity complex component; minus strand). Cytogenetic location: 9p23.
Variant type: single nucleotide variant.
Coding change: c.3899C>T on transcript NM_001378778.1 (MANE Select); coding-DNA position 3899, C replaced by T.
Protein change: p.Pro1300Leu; replaces proline 1300 with leucine.
Molecular consequence: missense variant.
Genome position (GRCh38, 1-based): chr9:13,140,091, G>A on the plus strand (C>T on the coding strand, the complement: MPDZ is on the minus strand). VCF-style: chr9-13140091-G-A. GRCh37 (hg19) VCF-style: chr9-13140090-G-A.
Other names: c.3800C>T, p.Pro1267Leu (NM_001261406.2, NM_001261407.2, NM_001375416.1 and 3 more transcripts); c.3899C>T, p.Pro1300Leu (NM_001330637.2, NM_001375413.1, NM_003829.5); c.3689C>T, p.Pro1230Leu (NM_001375420.1, NM_001375421.1, NM_001375422.1 and 4 more transcripts); c.3491C>T, p.Pro1164Leu (NM_001375427.1); c.3899C>T (NM_003829.3); short protein forms P1300L, P1267L, P1164L, P1230L.
Identifiers: ClinVar variation 3695817 (VCV003695817.3).